The following is an entry in ClinVar:

ClinVar aggregate classification (germline): Conflicting classifications of pathogenicity. Review status: criteria provided, conflicting classifications (1 of 4 stars). 3 submissions from 3 submitters: Uncertain significance (2); Likely benign (1). Last evaluated 2025-12-18.

Conditions:
Fanconi anemia (FA). Also called: Fanconi's anemia. Identifiers: Orphanet 84, MedGen C0015625, MeSH D005199, MONDO:0019391.

Allele frequency attached by ClinVar (database versions not stated): TOPMed below 0.00001; gnomAD 0.00001 and 0.00005; gnomAD exomes 0.00004 and 0.00011; ESP Exome Variant Server 0.00008; ExAC 0.00011.
gnomAD v4.1: 60 of 1,614,008 alleles (0.0037%); highest among the groups gnomAD compares: South Asian, 0.061%; 2 homozygotes.

Submissions (3):

Mayo Clinic Laboratories, Mayo Clinic
Classification: Uncertain significance. Last evaluated: 2025-12-18. Review status: criteria provided, single submitter. Criteria: ACMG Guidelines, 2015. Collection method: clinical testing. Allele origin: germline. Observed: 1 variant allele.

Labcorp Genetics (formerly Invitae), Labcorp
Classification: Likely benign for Fanconi anemia. Last evaluated: 2025-09-03. Review status: criteria provided, single submitter. Criteria: Invitae Variant Classification Sherloc (09022015). Collection method: clinical testing. Allele origin: germline.

Sema4
Classification: Uncertain significance for Fanconi anemia. Last evaluated: 2022-02-18. Review status: criteria provided, single submitter. Criteria: Sema4 Curation Guidelines. Collection method: curation. Allele origin: germline.
Comment: The SLX4 c.2099G>A (p.G700E) variant has been reported in heterozygosity in an individual with squamous cell carcinoma of the oral cavity (PMID: 28678401). It was observed in 27/30612 chromosomes of the South Asian subpopulation, with two homozygotes, in the large and broad cohorts of the Genome Aggregation Database (PMID: 32461654). The variant has not been reported in ClinVar. Functional studies have not been performed, and in silico predictions of the variant's effect on protein function are inconclusive. The evidence is insufficient to meet ACMG/AMP criteria for classifying the variant as benign or pathogenic. Thus, the clinical significance of this variant is currently uncertain.

Literature cited by the submitters: PubMed 28678401 (cited by Mayo Clinic Laboratories, Mayo Clinic and Sema4).

NM_032444.4(SLX4):c.2099G>A (p.Gly700Glu)

Gene: SLX4 (SLX4 structure-specific endonuclease subunit; minus strand). Cytogenetic location: 16p13.3.
Variant type: single nucleotide variant.
Coding change: c.2099G>A on transcript NM_032444.4 (MANE Select); coding-DNA position 2099, G replaced by A.
Protein change: p.Gly700Glu; replaces glycine 700 with glutamic acid.
Molecular consequence: missense variant.
Genome position (GRCh38, 1-based): chr16:3,594,514, C>T on the plus strand (G>A on the coding strand, the complement: SLX4 is on the minus strand). VCF-style: chr16-3594514-C-T. GRCh37 (hg19) VCF-style: chr16-3644515-C-T.
Other names: p.Gly700Glu; short protein forms G700E.
Identifiers: ClinVar variation 1692005 (VCV001692005.7), dbSNP rs373081094, ClinGen allele CA7866293.
Genomic context (GRCh38, chr16:3,594,514, plus strand): 5'-TACTGGATGAGGAGCGGGCATCGGGCATAAAGCACGAACTTGTGGGCGTAAAGCACCTCC[C>T]CGCTGTCCGTCTGAAACTGGACATCACTCAGGTGTGGGTTATTGACCATGGCGCCAAAGT-3'
Protein context (NP_115820.2, residues 690-710): LSDVQFQTDS[Gly700Glu]EVLYAHKFVL